The following is an entry in ClinVar:

NM_001009931.3(HRNR):c.742G>A (p.Gly248Arg)

Genes: CCDST (cervical cancer associated DHX9 suppressive transcript; plus strand), HRNR (hornerin; minus strand). Cytogenetic location: 1q21.3.
Variant type: single nucleotide variant.
Coding change: c.742G>A on transcript NM_001009931.3 (MANE Select); coding-DNA position 742, G replaced by A.
Protein change: p.Gly248Arg; replaces glycine 248 with arginine.
Molecular consequence: missense variant.
Genome position (GRCh38, 1-based): chr1:152,220,887, C>T on the plus strand (G>A on the coding strand, the complement: HRNR is on the minus strand). VCF-style: chr1-152220887-C-T. GRCh37 (hg19) VCF-style: chr1-152193363-C-T.
Other names: short protein forms G248R.
Identifiers: ClinVar variation 2639217 (VCV002639217.24), dbSNP rs367878724, ClinGen allele CA1102430.

ClinVar aggregate classification (germline): Uncertain significance (1 of 4 stars; one submission).

Allele frequency attached by ClinVar (database versions not stated): gnomAD 0.00005; gnomAD exomes 0.00007; ExAC 0.00009; TOPMed 0.00009; ESP Exome Variant Server 0.00015.

Submission:

CeGaT Center for Human Genetics Tuebingen
Classification: Uncertain significance. Last evaluated: 2022-10-01. Review status: criteria provided, single submitter. Criteria: CeGaT Center For Human Genetics Tuebingen Variant Classification Criteria Version 2. Collection method: clinical testing. Allele origin: germline. Affected: yes. Observed: 1 variant allele.
Comment: HRNR: PM2, BP4